The following is an entry in ClinVar:

NM_001004334.4(GPR179):c.2608_2616del (p.Glu870_Arg872del)

Gene: GPR179 (G protein-coupled receptor 179; minus strand). Cytogenetic location: 17q12.
Variant type: Deletion.
Coding change: c.2608_2616del on transcript NM_001004334.4 (MANE Select); coding-DNA positions 2608 to 2616, 9 bases deleted (GAGGAGCGG; older notation c.2608_2616delGAGGAGCGG).
Protein change: p.Glu870_Arg872del.
Molecular consequence: inframe deletion.
Genome position (GRCh38, 1-based): chr17:38,330,953-38,330,961, CCGCTCCTC deleted on the plus strand (GAGGAGCGG on the coding strand, the reverse complement: GPR179 is on the minus strand); deleting any 9 consecutive bases within chr17:38,330,953-38,330,969 gives the same sequence; the c. name uses the placement nearest the transcript's 3' end. VCF-style (leftmost placement, unchanged base first): chr17-38330952-TCCGCTCCTC-T. GRCh37 (hg19) VCF-style: chr17-36486835-TCCGCTCCTC-T.
Identifiers: ClinVar variation 1060093 (VCV001060093.8), dbSNP rs766897070, ClinGen allele CA290105680.

ClinVar aggregate classification (germline): Uncertain significance (1 of 4 stars; one submission).

Submission:

Labcorp Genetics (formerly Invitae), Labcorp
Classification: Uncertain significance. Last evaluated: 2023-08-24. Review status: criteria provided, single submitter. Criteria: Invitae Variant Classification Sherloc (09022015). Collection method: clinical testing. Allele origin: germline.
Comment: In summary, the available evidence is currently insufficient to determine the role of this variant in disease. Therefore, it has been classified as a Variant of Uncertain Significance. Experimental studies and prediction algorithms are not available or were not evaluated, and the functional significance of this variant is currently unknown. ClinVar contains an entry for this variant (Variation ID: 1060093). This variant has not been reported in the literature in individuals affected with GPR179-related conditions. This variant is present in population databases (rs766897070, gnomAD 0.002%). This variant, c.2608_2616del, results in the deletion of 3 amino acid(s) of the GPR179 protein (p.Glu870_Arg872del), but otherwise preserves the integrity of the reading frame.